The following is an entry in ClinVar:

ClinVar aggregate classification (germline): Uncertain significance (1 of 4 stars; one submission).

gnomAD v4.1: 4 of 1,608,360 alleles (0.00025%); highest among the groups gnomAD compares: Non-Finnish European, 0.00034%; no homozygotes.

Submission:

Labcorp Genetics (formerly Invitae), Labcorp
Classification: Uncertain significance. Last evaluated: 2023-05-23. Review status: criteria provided, single submitter. Criteria: Invitae Variant Classification Sherloc (09022015). Collection method: clinical testing. Allele origin: germline.
Comment: In summary, the available evidence is currently insufficient to determine the role of this variant in disease. Therefore, it has been classified as a Variant of Uncertain Significance. Algorithms developed to predict the effect of missense changes on protein structure and function output the following: SIFT: "Not Available"; PolyPhen-2: "Benign"; Align-GVGD: "Not Available". The histidine amino acid residue is found in multiple mammalian species, which suggests that this missense change does not adversely affect protein function. ClinVar contains an entry for this variant (Variation ID: 1433551). This variant has not been reported in the literature in individuals affected with RGS9BP-related conditions. This variant is not present in population databases (gnomAD no frequency). This sequence change replaces glutamine, which is neutral and polar, with histidine, which is basic and polar, at codon 45 of the RGS9BP protein (p.Gln45His).

NM_207391.3(RGS9BP):c.135G>C (p.Gln45His)

Gene: RGS9BP (regulator of G protein signaling 9 binding protein; plus strand). Cytogenetic location: 19q13.11.
Variant type: single nucleotide variant.
Coding change: c.135G>C on transcript NM_207391.3 (MANE Select); coding-DNA position 135, G replaced by C.
Protein change: p.Gln45His; replaces glutamine 45 with histidine.
Molecular consequence: missense variant.
Genome position (GRCh38, 1-based): chr19:32,676,398, G>C. VCF-style: chr19-32676398-G-C. GRCh37 (hg19) VCF-style: chr19-33167304-G-C.
Other names: short protein forms Q45H.
Identifiers: ClinVar variation 1433551 (VCV001433551.8), dbSNP rs1197286138, ClinGen allele CA405185503.